The following is an entry in ClinVar:

ClinVar aggregate classification (germline): Uncertain significance (1 of 4 stars; one submission).

Conditions:
Hereditary cancer-predisposing syndrome. Also called: Neoplastic Syndromes, Hereditary; Tumor predisposition; Hereditary Cancer Syndrome; Hereditary neoplastic syndrome. Identifiers: Orphanet 140162, MedGen C0027672, MeSH D009386, MONDO:0015356.

Submission:

Color Diagnostics, LLC DBA Color Health
Classification: Uncertain significance for Hereditary cancer-predisposing syndrome. Last evaluated: 2023-10-16. Review status: criteria provided, single submitter. Criteria: ACMG Guidelines, 2015. Collection method: clinical testing. Allele origin: germline.
Comment: This missense variant replaces tyrosine with phenylalanine at codon 68 of the CDH1 protein. To our knowledge, functional studies have not been reported for this variant. This variant has not been reported in individuals affected with CDH1-related disorders in the literature. This variant has not been identified in the general population by the Genome Aggregation Database (gnomAD). The available evidence is insufficient to determine the role of this variant in disease conclusively. Therefore, this variant is classified as a Variant of Uncertain Significance.

NM_004360.5(CDH1):c.203A>T (p.Tyr68Phe)

Gene: CDH1 (cadherin 1; plus strand). Cytogenetic location: 16q22.1.
Variant type: single nucleotide variant.
Coding change: c.203A>T on transcript NM_004360.5 (MANE Select); coding-DNA position 203, A replaced by T.
Protein change: p.Tyr68Phe; replaces tyrosine 68 with phenylalanine.
Molecular consequence: missense variant. On other transcripts: 5 prime UTR variant (2).
Genome position (GRCh38, 1-based): chr16:68,801,709, A>T. VCF-style: chr16-68801709-A-T. GRCh37 (hg19) VCF-style: chr16-68835612-A-T.
Other names: c.203A>T, p.Tyr68Phe (NM_001317184.2); c.-1413A>T (NM_001317185.2); c.-1617A>T (NM_001317186.2); short protein forms Y68F.
Identifiers: ClinVar variation 3894404 (VCV003894404.1).
Genomic context (GRCh38, chr16:68,801,709, plus strand): 5'-TCTGTGATTTCTGCCCTGCAGTGAATTTTGAAGATTGCACCGGTCGACAAAGGACAGCCT[A>T]TTTTTCCCTCGACACCCGATTCAAAGTGGGCACAGATGGTGTGATTACAGTCAAAAGGCC-3'
Protein context (NP_004351.1, residues 58-78): EDCTGRQRTA[Tyr68Phe]FSLDTRFKVG